The following is an entry in ClinVar:

NM_201384.3(PLEC):c.7534_7536del (p.Glu2512del)

Gene: PLEC (plectin; minus strand). Cytogenetic location: 8q24.3.
Variant type: Deletion.
Coding change: c.7534_7536del on transcript NM_201384.3 (MANE Select); coding-DNA positions 7534 to 7536, 3 bases deleted (GAG; older notation c.7534_7536delGAG).
Protein change: p.Glu2512del; deletes glutamic acid 2512.
Genome position (GRCh38, 1-based): chr8:143,922,285-143,922,287, CTC deleted on the plus strand (GAG on the coding strand, the reverse complement: PLEC is on the minus strand); deleting any 3 consecutive bases within chr8:143,922,285-143,922,289 gives the same sequence; the c. name uses the placement nearest the transcript's 3' end. VCF-style (leftmost placement, unchanged base first): chr8-143922284-TCTC-T. GRCh37 (hg19) VCF-style: chr8-144996452-TCTC-T.
Other names: c.7615_7617del, p.Glu2539del (NM_000445.5); c.4234_4236del, p.Glu1412del (NM_001410941.1); c.7492_7494del, p.Glu2498del (NM_201378.4); c.7468_7470del, p.Glu2490del (NM_201379.3); c.7945_7947del, p.Glu2649del (NM_201380.4); c.7438_7440del, p.Glu2480del (NM_201381.3); c.7534_7536del, p.Glu2512del (NM_201382.4); c.7546_7548del, p.Glu2516del (NM_201383.3); short protein forms E2498del, E2539del, E2490del, E2516del, E2649del, E1412del, E2480del, E2512del.
Identifiers: ClinVar variation 4794463 (VCV004794463.1).

ClinVar aggregate classification (germline): Uncertain significance (1 of 4 stars; one submission).

Conditions:
Epidermolysis bullosa simplex 5B, with muscular dystrophy (EBS5B). Also called: EPIDERMOLYSIS BULLOSA SIMPLEX AND LIMB-GIRDLE MUSCULAR DYSTROPHY; Epidermolysis bullosa simplex with muscular dystrophy. Identifiers: Orphanet 257, MedGen C2931072, MONDO:0009181, OMIM 226670.
Epidermolysis bullosa simplex, Ogna type (EBS5A). Also called: Pidermolysis bullosa simplex 5A, Ogna type; EPIDERMOLYSIS BULLOSA SIMPLEX 5A, OGNA TYPE. Identifiers: Orphanet 79401, MedGen C0432317, MONDO:0007555, OMIM 131950.
Epidermolysis bullosa simplex 5C, with pyloric atresia (EBS5C). Also called: Epidermolysis bullosa simplex with pyloric atresia; PLEC-Related Epidermolysis Bullosa with Pyloric Atresia; PLEC1-Related Epidermolysis Bullosa with Pyloric Atresia. Identifiers: Orphanet 158684, MedGen C2677349, MONDO:0012807, OMIM 612138.
Autosomal recessive limb-girdle muscular dystrophy type 2Q (LGMDR17). Also called: MUSCULAR DYSTROPHY, LIMB-GIRDLE, AUTOSOMAL RECESSIVE 17. Identifiers: Orphanet 254361, MedGen C3150989, MONDO:0013390, OMIM 613723.
Epidermolysis bullosa simplex with nail dystrophy (EBS5D). Identifiers: MedGen C4225309, MONDO:0014661, OMIM 616487.

Submission:

Labcorp Genetics (formerly Invitae), Labcorp
Classification: Uncertain significance for Autosomal recessive limb-girdle muscular dystrophy type 2Q; Epidermolysis bullosa simplex, Ogna type; Epidermolysis bullosa simplex with nail dystrophy; Epidermolysis bullosa simplex 5C, with pyloric atresia; Epidermolysis bullosa simplex 5B, with muscular dystrophy. Last evaluated: 2025-12-20. Review status: criteria provided, single submitter. Criteria: Invitae Variant Classification Sherloc (09022015). Collection method: clinical testing. Allele origin: germline.
Comment: This variant, c.7615_7617del, results in the deletion of 1 amino acid(s) of the PLEC protein (p.Glu2539del), but otherwise preserves the integrity of the reading frame. This variant is present in population databases (rs781849691, gnomAD 0.003%). This variant has not been reported in the literature in individuals affected with PLEC-related conditions. Experimental studies and prediction algorithms are not available or were not evaluated, and the functional significance of this variant is currently unknown. In summary, the available evidence is currently insufficient to determine the role of this variant in disease. Therefore, it has been classified as a Variant of Uncertain Significance.